The following is an entry in ClinVar:

ClinVar aggregate classification (germline): Uncertain significance. Review status: criteria provided, multiple submitters, no conflicts (2 of 4 stars). 2 submissions from 2 submitters: Uncertain significance (2). Last evaluated 2026-03-17.

Conditions:
Fanconi anemia complementation group J. Also called: BRIP1-Related Fanconi Anemia. Identifiers: Orphanet 84, MedGen C1836860, MONDO:0012187, OMIM 609054.
Familial cancer of breast. Also called: BREAST CANCER, FAMILIAL; Hereditary breast cancer; hereditary breast carcinoma. Identifiers: Orphanet 227535, MedGen C0346153, MONDO:0016419, OMIM 114480. Disease mechanism: loss of function.
Hereditary cancer-predisposing syndrome. Also called: Hereditary neoplastic syndrome; Neoplastic Syndromes, Hereditary; Tumor predisposition; Hereditary Cancer Syndrome. Identifiers: Orphanet 140162, MedGen C0027672, MeSH D009386, MONDO:0015356.

Submissions (2):

Ambry Genetics
Classification: Uncertain significance for Hereditary cancer-predisposing syndrome. Last evaluated: 2026-03-17. Review status: criteria provided, single submitter. Criteria: Ambry Variant Classification Scheme 2023. Collection method: clinical testing. Allele origin: germline.
Comment: The c.2delT variant, located in coding exon 1 of the BRIP1 gene, results from a deletion of one nucleotide at nucleotide position 2, causing a translational frameshift with a predicted alternate stop codon (p.M1?). Variations that modify the initiation codon (ATG) are expected to result in either loss of translation initiation, N-terminal truncation, or cause a shift in the mRNA reading frame; however, there is an in-frame methionine 3 and 27 amino acids from the initiation site, which may result in N-terminal truncation of unknown functional significance. Based on the available evidence, the clinical significance of this variant remains unclear.

Labcorp Genetics (formerly Invitae), Labcorp
Classification: Uncertain significance for Familial cancer of breast; Fanconi anemia complementation group J. Last evaluated: 2025-10-05. Review status: criteria provided, single submitter. Criteria: Invitae Variant Classification Sherloc (09022015). Collection method: clinical testing. Allele origin: germline.
Comment: This sequence change affects the initiator codon of the BRIP1 mRNA. This change may impact translation initiation or efficiency. The next in-frame methionine is located at codon 4. This variant is not present in population databases (gnomAD no frequency). Disruption of the initiator codon has been observed in individual(s) with breast cancer (PMID: 34326862). Algorithms developed to predict the effect of sequence changes on RNA splicing suggest that this variant may disrupt the consensus splice site. In summary, the available evidence is currently insufficient to determine the role of this variant in disease. Therefore, it has been classified as a Variant of Uncertain Significance.

Literature cited by the submitters: PubMed 34326862 (cited by Labcorp Genetics (formerly Invitae), Labcorp).

NM_032043.3(BRIP1):c.2del (p.Met1fs)

Gene: BRIP1 (BRCA1 interacting DNA helicase 1; minus strand). Cytogenetic location: 17q23.2.
Variant type: Deletion.
Coding change: c.2del on transcript NM_032043.3 (MANE Select); coding-DNA position 2, one base deleted (T; older notation c.2delT).
Protein change: p.Met1fs; shifts the reading frame from methionine 1.
Molecular consequence: frameshift variant, initiator codon variant.
Genome position (GRCh38, 1-based): chr17:61,861,538, A deleted on the plus strand (T on the coding strand, the reverse complement: BRIP1 is on the minus strand). VCF-style (leftmost placement, unchanged base first): chr17-61861537-CA-C. GRCh37 (hg19) VCF-style: chr17-59938898-CA-C.
Other names: short protein forms M1fs.
Identifiers: ClinVar variation 4791817 (VCV004791817.2).